The following is an entry in ClinVar:

ClinVar aggregate classification (germline): Likely pathogenic. Review status: criteria provided, multiple submitters, no conflicts (2 of 4 stars). 2 submissions from 2 submitters: Likely pathogenic (2). Last evaluated 2025-09-04.

Conditions:
Atypical hemolytic-uremic syndrome with C3 anomaly. Also called: AHUS, SUSCEPTIBILITY TO, 5. Identifiers: Orphanet 2134, MedGen C2752037, MONDO:0013043, OMIM 612925.
Age related macular degeneration 9. Identifiers: MedGen C1969651, MONDO:0012659, OMIM 611378.
Complement component 3 deficiency. Identifiers: Orphanet 280133, MedGen C3151071, MONDO:0013417, OMIM 613779.

Submissions (2):

Mayo Clinic Laboratories, Mayo Clinic
Classification: Likely pathogenic. Last evaluated: 2025-09-04. Review status: criteria provided, single submitter. Criteria: ACMG Guidelines, 2015. Collection method: clinical testing. Allele origin: germline. Observed: 1 variant allele.
Comment: PM2_supporting, PVS1

Fulgent Genetics
Classification: Likely pathogenic for Age related macular degeneration 9; Atypical hemolytic-uremic syndrome with C3 anomaly; Complement component 3 deficiency. Last evaluated: 2024-02-14. Review status: criteria provided, single submitter. Criteria: ACMG Guidelines, 2015. Collection method: clinical testing. Allele origin: germline.

NM_000064.4(C3):c.2863+1G>T

Gene: C3 (complement C3; minus strand). Cytogenetic location: 19p13.3.
Variant type: single nucleotide variant.
Coding change: c.2863+1G>T on transcript NM_000064.4 (MANE Select); the canonical splice donor site of the intron after coding-DNA position 2863, G replaced by T.
Molecular consequence: splice donor variant.
Genome position (GRCh38, 1-based): chr19:6,696,592, C>A on the plus strand (G>T on the coding strand, the complement: C3 is on the minus strand). VCF-style: chr19-6696592-C-A. GRCh37 (hg19) VCF-style: chr19-6696603-C-A.
Identifiers: ClinVar variation 3584120 (VCV003584120.2).